The following is an entry in ClinVar:

NM_003002.4(SDHD):c.28G>C (p.Val10Leu)

Genes: SDHD (succinate dehydrogenase complex subunit D; plus strand), LOC126861339 (BRD4-independent group 4 enhancer GRCh37_chr11:111957035-111958234; plus strand). Cytogenetic location: 11q23.1.
Variant type: single nucleotide variant.
Coding change: c.28G>C on transcript NM_003002.4 (MANE Select); coding-DNA position 28, G replaced by C.
Protein change: p.Val10Leu; replaces valine 10 with leucine.
Molecular consequence: missense variant. On other transcripts: non-coding transcript variant (1).
Genome position (GRCh38, 1-based): chr11:112,086,935, G>C. VCF-style: chr11-112086935-G-C. GRCh37 (hg19) VCF-style: chr11-111957659-G-C.
Other names: c.28G>C, p.Val10Leu (NM_001276503.2, NM_001276504.2, NM_001276506.2); short protein forms V10L.
Identifiers: ClinVar variation 3223040 (VCV003223040.2), dbSNP rs1555186671, ClinGen allele CA382616689.
Genomic context (GRCh38, chr11:112,086,935, plus strand): 5'-GTTGGTGGATGACCTTGAGCCCTCAGGAACGAGATGGCGGTTCTCTGGAGGCTGAGTGCC[G>C]TTTGCGGTGCCCTAGGAGGCCGAGGTGAGGGGTCTTCCCACCCTGAGGTGCTTAGCGTAG-3'
Protein context (NP_002993.1, residues 1-20): MAVLWRLSA[Val10Leu]CGALGGRALL

ClinVar aggregate classification (germline): Conflicting classifications of pathogenicity. Review status: criteria provided, conflicting classifications (1 of 4 stars). 2 submissions from 2 submitters: Uncertain significance (1); Likely benign (1). Last evaluated 2026-01-27.

Conditions:
Pheochromocytoma. Also called: MAX-Related Hereditary Paraganglioma-Pheochromocytoma Syndrome. Identifiers: Orphanet 29072, MedGen C0031511, MONDO:0008233, OMIM 171300, HP:0002666.
Paragangliomas with sensorineural hearing loss. Identifiers: MedGen C1868633.
Carney-Stratakis syndrome. Also called: PARAGANGLIOMA AND GASTROINTESTINAL STROMAL TUMOR. Identifiers: Orphanet 97286, MedGen C1847319, MONDO:0011740, OMIM 606864.
Cowden syndrome 3 (CWS3). Identifiers: Orphanet 201, MedGen CN166604, MONDO:0014045.
Hereditary cancer-predisposing syndrome. Also called: Tumor predisposition; Hereditary neoplastic syndrome; Hereditary Cancer Syndrome; Neoplastic Syndromes, Hereditary. Identifiers: Orphanet 140162, MedGen C0027672, MeSH D009386, MONDO:0015356.

Submissions (2):

Labcorp Genetics (formerly Invitae), Labcorp
Classification: Uncertain significance for Carney-Stratakis syndrome; Paragangliomas with sensorineural hearing loss; Pheochromocytoma; Cowden syndrome 3. Last evaluated: 2026-01-27. Review status: criteria provided, single submitter. Criteria: Invitae Variant Classification Sherloc (09022015). Collection method: clinical testing. Allele origin: germline.
Comment: This sequence change replaces valine, which is neutral and non-polar, with leucine, which is neutral and non-polar, at codon 10 of the SDHD protein (p.Val10Leu). This variant is not present in population databases (gnomAD no frequency). This variant has not been reported in the literature in individuals affected with SDHD-related conditions. ClinVar contains an entry for this variant (Variation ID: 3223040). Invitae Evidence Modeling of protein sequence and biophysical properties (such as structural, functional, and spatial information, amino acid conservation, physicochemical variation, residue mobility, and thermodynamic stability) indicates that this missense variant is not expected to disrupt SDHD protein function with a negative predictive value of 95%. In summary, the available evidence is currently insufficient to determine the role of this variant in disease. Therefore, it has been classified as a Variant of Uncertain Significance.

Ambry Genetics
Classification: Likely benign for Hereditary cancer-predisposing syndrome. Last evaluated: 2023-11-18. Review status: criteria provided, single submitter. Criteria: Ambry Variant Classification Scheme 2023. Collection method: clinical testing. Allele origin: germline.